The following is an entry in ClinVar:

ClinVar aggregate classification (germline): Likely benign. Review status: criteria provided, multiple submitters, no conflicts (2 of 4 stars). 2 submissions from 2 submitters: Likely benign (2). Last evaluated 2025-07-21.

gnomAD v4.1: 10 of 1,613,934 alleles (0.00062%); highest among the groups gnomAD compares: Non-Finnish European, 0.00076%; no homozygotes.

Submissions (2):

Mayo Clinic Laboratories, Mayo Clinic
Classification: Likely benign. Last evaluated: 2025-07-21. Review status: criteria provided, single submitter. Criteria: ACMG Guidelines, 2015. Collection method: clinical testing. Allele origin: germline. Observed: 1 variant allele.
Comment: BP4, BP7

Blueprint Genetics
Classification: Likely benign. Last evaluated: 2021-10-21. Review status: criteria provided, single submitter. Criteria: ACMG Guidelines, 2015. Collection method: clinical testing. Allele origin: germline.

NM_001098816.3(TENM4):c.7710C>G (p.Val2570=)

Gene: TENM4 (teneurin transmembrane protein 4; minus strand). Cytogenetic location: 11q14.1.
Variant type: single nucleotide variant.
Coding change: c.7710C>G on transcript NM_001098816.3 (MANE Select); coding-DNA position 7710, C replaced by G.
Protein change: p.Val2570=; no amino-acid change (valine 2570 retained).
Molecular consequence: synonymous variant.
Genome position (GRCh38, 1-based): chr11:78,658,658, G>C on the plus strand (C>G on the coding strand, the complement: TENM4 is on the minus strand). VCF-style: chr11-78658658-G-C. GRCh37 (hg19) VCF-style: chr11-78369703-G-C.
Other names: p.Val2570=.
Identifiers: ClinVar variation 4683668 (VCV004683668.2).